The following is an entry in ClinVar:

NM_020928.2(ZSWIM6):c.2380C>T (p.Arg794Trp)

Gene: ZSWIM6 (zinc finger SWIM-type containing 6; plus strand). Cytogenetic location: 5q12.1.
Variant type: single nucleotide variant.
Coding change: c.2380C>T on transcript NM_020928.2 (MANE Select); coding-DNA position 2380, C replaced by T.
Protein change: p.Arg794Trp; replaces arginine 794 with tryptophan.
Molecular consequence: missense variant.
Genome position (GRCh38, 1-based): chr5:61,535,618, C>T. VCF-style: chr5-61535618-C-T. GRCh37 (hg19) VCF-style: chr5-60831445-C-T.
Other names: short protein forms R794W.
Identifiers: ClinVar variation 392986 (VCV000392986.6), dbSNP rs774164666, ClinGen allele CA16604972.
Genomic context (GRCh38, chr5:61,535,618, plus strand): 5'-TTCACCTCTCTCCTACCTCACGATGCTGAATTGGCATACAAAATTGCACTGAGAGCAATG[C>T]GGTATGTATTCACAGCCCAGCTGGGCAGAGGCAGGCCACATTCCCACTGGGAAGCATGGC-3'
Protein context (NP_065979.1, residues 784-804): LAYKIALRAM[Arg794Trp]LLVLESTAPS

ClinVar aggregate classification (germline): Uncertain significance. Review status: criteria provided, multiple submitters, no conflicts (2 of 4 stars). 2 submissions from 2 submitters: Uncertain significance (2). Last evaluated 2025-02-12.

Allele frequency attached by ClinVar (database versions not stated): TOPMed 0.00001.
gnomAD v4.1: 18 of 1,550,858 alleles (0.0012%); highest among the groups gnomAD compares: Admixed American, 0.002%; no homozygotes.

Submissions (2):

Labcorp Genetics (formerly Invitae), Labcorp
Classification: Uncertain significance. Last evaluated: 2025-02-12. Review status: criteria provided, single submitter. Criteria: Invitae Variant Classification Sherloc (09022015). Collection method: clinical testing. Allele origin: germline.
Comment: This sequence change replaces arginine, which is basic and polar, with tryptophan, which is neutral and slightly polar, at codon 794 of the ZSWIM6 protein (p.Arg794Trp). The frequency data for this variant in the population databases is considered unreliable, as metrics indicate poor data quality at this position in the gnomAD database. This variant has not been reported in the literature in individuals affected with ZSWIM6-related conditions. ClinVar contains an entry for this variant (Variation ID: 392986). An algorithm developed to predict the effect of missense changes on protein structure and function (PolyPhen-2) suggests that this variant is likely to be disruptive. In summary, the available evidence is currently insufficient to determine the role of this variant in disease. Therefore, it has been classified as a Variant of Uncertain Significance.

GeneDx
Classification: Uncertain significance. Last evaluated: 2017-02-02. Review status: criteria provided, single submitter. Criteria: GeneDx Variant Classification (06012015). Collection method: clinical testing. Allele origin: germline. Affected: yes.
Comment: The R794W variant in the ZSWIM6 gene has not been reported previously as a pathogenic variant, nor as a benign variant, to our knowledge. This variant was not observed in approximately 2300 individuals of European and African American ancestry in the NHLBI Exome Sequencing Project, indicating it is not a common benign variant in these populations. The R794W variant is a non-conservative amino acid substitution, which is likely to impact secondary protein structure as these residues differ in polarity, charge, size and/or other properties. This substitution occurs at a position that is conserved across species, and in silico analysis predicts this variant is probably damaging to the protein structure/function. We interpret R794W as a variant of uncertain significance.